The following is an entry in ClinVar:

NM_001613.4(ACTA2):c.883C>G (p.Leu295Val)

Genes: ACTA2-AS1 (ACTA2 antisense RNA 1; plus strand), ACTA2 (actin alpha 2, smooth muscle; minus strand). Cytogenetic location: 10q23.31.
Variant type: single nucleotide variant.
Coding change: c.883C>G on transcript NM_001613.4 (MANE Select); coding-DNA position 883, C replaced by G.
Protein change: p.Leu295Val; replaces leucine 295 with valine.
Molecular consequence: missense variant.
Genome position (GRCh38, 1-based): chr10:88,938,168, G>C on the plus strand (C>G on the coding strand, the complement: ACTA2 is on the minus strand). VCF-style: chr10-88938168-G-C. GRCh37 (hg19) VCF-style: chr10-90697925-G-C.
Other names: c.883C>G, p.Leu295Val (NM_001141945.3, NM_001320855.2, NM_001406462.1 and 2 more transcripts); c.772C>G, p.Leu258Val (NM_001406466.1); c.754C>G, p.Leu252Val (NM_001406467.1, NM_001406468.1, NM_001406469.1); c.691C>G, p.Leu231Val (NM_001406471.1); short protein forms L252V, L231V, L295V, L258V.
Identifiers: ClinVar variation 2624663 (VCV002624663.4), dbSNP rs1845780334, ClinGen allele CA377510870.

ClinVar aggregate classification (germline): Uncertain significance. Review status: criteria provided, multiple submitters, no conflicts (2 of 4 stars). 2 submissions from 2 submitters: Uncertain significance (2). Last evaluated 2025-11-08.

Conditions:
Familial thoracic aortic aneurysm and aortic dissection (TAAD). Also called: Thoracic aortic aneurysms and dissections. Identifiers: Orphanet 91387, MedGen C4707243, MONDO:0019625.
Aortic aneurysm, familial thoracic 6 (AAT6). Also called: FAMILIAL THORACIC AORTIC ANEURYSM WITH LIVEDO RETICULARIS AND IRIS FLOCCULI. Identifiers: MedGen C2673186, MONDO:0012730, OMIM 611788.

Allele frequency attached by ClinVar (database versions not stated): TOPMed below 0.00001.

Submissions (2):

Labcorp Genetics (formerly Invitae), Labcorp
Classification: Uncertain significance for Aortic aneurysm, familial thoracic 6. Last evaluated: 2025-11-08. Review status: criteria provided, single submitter. Criteria: Invitae Variant Classification Sherloc (09022015). Collection method: clinical testing. Allele origin: germline.
Comment: This sequence change replaces leucine, which is neutral and non-polar, with valine, which is neutral and non-polar, at codon 295 of the ACTA2 protein (p.Leu295Val). This variant is not present in population databases (gnomAD no frequency). This variant has not been reported in the literature in individuals affected with ACTA2-related conditions. ClinVar contains an entry for this variant (Variation ID: 2624663). Invitae Evidence Modeling of protein sequence and biophysical properties (such as structural, functional, and spatial information, amino acid conservation, physicochemical variation, residue mobility, and thermodynamic stability) indicates that this missense variant is not expected to disrupt ACTA2 protein function with a negative predictive value of 80%. In summary, the available evidence is currently insufficient to determine the role of this variant in disease. Therefore, it has been classified as a Variant of Uncertain Significance.

Ambry Genetics
Classification: Uncertain significance for Familial thoracic aortic aneurysm and aortic dissection. Last evaluated: 2024-08-21. Review status: criteria provided, single submitter. Criteria: Ambry Variant Classification Scheme 2023. Collection method: clinical testing. Allele origin: germline.